The following is an entry in ClinVar:

ClinVar aggregate classification (germline): Uncertain significance. Review status: criteria provided, multiple submitters, no conflicts (2 of 4 stars). 2 submissions from 2 submitters: Uncertain significance (2). Last evaluated 2025-09-10.

gnomAD v4.1: 19 of 1,174,744 alleles (0.0016%); highest among the groups gnomAD compares: South Asian, 0.012%; no homozygotes.

Submissions (2):

Ambry Genetics
Classification: Uncertain significance. Last evaluated: 2025-09-10. Review status: criteria provided, single submitter. Criteria: Ambry Variant Classification Scheme 2023. Collection method: clinical testing. Allele origin: germline.

Labcorp Genetics (formerly Invitae), Labcorp
Classification: Uncertain significance. Last evaluated: 2025-02-20. Review status: criteria provided, single submitter. Criteria: Invitae Variant Classification Sherloc (09022015). Collection method: clinical testing. Allele origin: germline.
Comment: This sequence change replaces arginine, which is basic and polar, with glycine, which is neutral and non-polar, at codon 518 of the COL4A6 protein (p.Arg518Gly). This variant is present in population databases (rs760545580, gnomAD 0.007%). This variant has not been reported in the literature in individuals affected with COL4A6-related conditions. Invitae Evidence Modeling of protein sequence and biophysical properties (such as structural, functional, and spatial information, amino acid conservation, physicochemical variation, residue mobility, and thermodynamic stability) indicates that this missense variant is not expected to disrupt COL4A6 protein function with a negative predictive value of 80%. In summary, the available evidence is currently insufficient to determine the role of this variant in disease. Therefore, it has been classified as a Variant of Uncertain Significance.

NM_033641.4(COL4A6):c.1549C>G (p.Arg517Gly)

Gene: COL4A6 (collagen type IV alpha 6 chain; minus strand). Cytogenetic location: Xq22.3.
Variant type: single nucleotide variant.
Coding change: c.1549C>G on transcript NM_033641.4 (MANE Select); coding-DNA position 1549, C replaced by G.
Protein change: p.Arg517Gly; replaces arginine 517 with glycine.
Molecular consequence: missense variant.
Genome position (GRCh38, 1-based): chrX:108,188,555, G>C on the plus strand (C>G on the coding strand, the complement: COL4A6 is on the minus strand). VCF-style: chrX-108188555-G-C. GRCh37 (hg19) VCF-style: chrX-107431785-G-C.
Other names: c.1549C>G, p.Arg517Gly (NM_001287758.2, NM_001287759.2, NM_001287760.2 and 1 more transcripts); c.1552C>G, p.Arg518Gly (NM_001440759.1, NM_001847.4); short protein forms R518G, R517G.
Identifiers: ClinVar variation 4232324 (VCV004232324.2).
Genomic context (GRCh38, chrX:108,188,555, plus strand): 5'-GTCAAAGTTTGGCAAGACTTACTGGAGCCCCTGCTGGGCCCTGTGCACCCCCAGAGCCTC[G>C]ATCTCCTCTGGCTCCTTTAAGGCCTGGAAGGCCTATGAGACCCCATGGACCAGGTGGGCC-3'
Protein context (NP_378667.1, residues 507-527): LPGLKGARGD[Arg517Gly]GSGGAQGPAG